The following is an entry in ClinVar:

ClinVar aggregate classification (germline): Uncertain significance (1 of 4 stars; one submission).

Submission:

Labcorp Genetics (formerly Invitae), Labcorp
Classification: Uncertain significance. Last evaluated: 2021-11-23. Review status: criteria provided, single submitter. Criteria: Invitae Variant Classification Sherloc (09022015). Collection method: clinical testing. Allele origin: germline.
Comment: This sequence change replaces arginine, which is basic and polar, with tryptophan, which is neutral and slightly polar, at codon 2483 of the ADGRV1 protein (p.Arg2483Trp). In summary, the available evidence is currently insufficient to determine the role of this variant in disease. Therefore, it has been classified as a Variant of Uncertain Significance. Algorithms developed to predict the effect of missense changes on protein structure and function are either unavailable or do not agree on the potential impact of this missense change (SIFT: "Deleterious"; PolyPhen-2: "Possibly Damaging"; Align-GVGD: "Class C0"). This variant has not been reported in the literature in individuals affected with ADGRV1-related conditions. This variant is not present in population databases (gnomAD no frequency).

NM_032119.4(ADGRV1):c.7447A>T (p.Arg2483Trp)

Gene: ADGRV1 (adhesion G protein-coupled receptor V1; plus strand). Cytogenetic location: 5q14.3.
Variant type: single nucleotide variant.
Coding change: c.7447A>T on transcript NM_032119.4 (MANE Select); coding-DNA position 7447, A replaced by T.
Protein change: p.Arg2483Trp; replaces arginine 2483 with tryptophan.
Molecular consequence: missense variant. On other transcripts: non-coding transcript variant (1).
Genome position (GRCh38, 1-based): chr5:90,694,203, A>T. VCF-style: chr5-90694203-A-T. GRCh37 (hg19) VCF-style: chr5-89990020-A-T.
Other names: short protein forms R2483W.
Identifiers: ClinVar variation 1353042 (VCV001353042.6), dbSNP rs372196767, ClinGen allele CA360377688.